The following is an entry in ClinVar:

NM_005228.5(EGFR):c.2495G>T (p.Arg832Leu)

Gene: EGFR (epidermal growth factor receptor; plus strand). Cytogenetic location: 7p11.2.
Variant type: single nucleotide variant.
Coding change: c.2495G>T on transcript NM_005228.5 (MANE Select); coding-DNA position 2495, G replaced by T.
Protein change: p.Arg832Leu; replaces arginine 832 with leucine.
Molecular consequence: missense variant.
Genome position (GRCh38, 1-based): chr7:55,191,744, G>T. VCF-style: chr7-55191744-G-T. GRCh37 (hg19) VCF-style: chr7-55259437-G-T.
Other names: c.2360G>T, p.Arg787Leu (NM_001346897.2, NM_001346899.2); c.2495G>T, p.Arg832Leu (NM_001346898.2); c.2336G>T, p.Arg779Leu (NM_001346900.2); c.1694G>T, p.Arg565Leu (NM_001346941.2); short protein forms R565L, R779L, R787L, R832L.
Identifiers: ClinVar variation 4247278 (VCV004247278.1).
Genomic context (GRCh38, chr7:55,191,744, plus strand): 5'-ATCTGTCCCTCACAGCAGGGTCTTCTCTGTTTCAGGGCATGAACTACTTGGAGGACCGTC[G>T]CTTGGTGCACCGCGACCTGGCAGCCAGGAACGTACTGGTGAAAACACCGCAGCATGTCAA-3'
Protein context (NP_005219.2, residues 822-842): AKGMNYLEDR[Arg832Leu]LVHRDLAARN

ClinVar aggregate classification (germline): Uncertain significance (1 of 4 stars; one submission).

Conditions:
Hereditary cancer-predisposing syndrome. Also called: Hereditary Cancer Syndrome; Hereditary neoplastic syndrome; Neoplastic Syndromes, Hereditary; Tumor predisposition. Identifiers: Orphanet 140162, MedGen C0027672, MeSH D009386, MONDO:0015356.

gnomAD v4.1: 1 of 1,613,936 alleles (0.000062%); highest among the groups gnomAD compares: Non-Finnish European, 0.000085%; no homozygotes.

Submission:

Ambry Genetics
Classification: Uncertain significance for Hereditary cancer-predisposing syndrome. Last evaluated: 2025-07-09. Review status: criteria provided, single submitter. Criteria: Ambry Variant Classification Scheme 2023. Collection method: clinical testing. Allele origin: germline.
Comment: The p.R832L variant (also known as c.2495G>T), located in coding exon 21 of the EGFR gene, results from a G to T substitution at nucleotide position 2495. The arginine at codon 832 is replaced by leucine, an amino acid with dissimilar properties. This amino acid position is well conserved in available vertebrate species. In addition, this alteration is predicted to be deleterious by in silico analysis. Based on the available evidence, the clinical significance of this variant remains unclear.